The following is an entry in ClinVar:

ClinVar aggregate classification (germline): Conflicting classifications of pathogenicity. Review status: criteria provided, conflicting classifications (1 of 4 stars). 7 submissions from 5 submitters: Uncertain significance (5); Likely benign (1). 1 of the submissions does not count toward it. Last evaluated 2026-02-02.

Conditions:
Gastrointestinal stromal tumor. Also called: Gastrointestinal stromal tumor, somatic; Gastrointestinal stroma tumor. Identifiers: Orphanet 44890, MedGen C0238198, MeSH D046152, MONDO:0011719, OMIM 606764, HP:0100723.
Mastocytosis. Also called: Mast Cell Disease. Identifiers: Orphanet 98292, MedGen C0024899, MONDO:0007950, HP:0100495.
KIT-related disorder. Also called: KIT-related condition.
Hereditary cancer-predisposing syndrome. Also called: Neoplastic Syndromes, Hereditary; Tumor predisposition; Hereditary Cancer Syndrome; Hereditary neoplastic syndrome. Identifiers: Orphanet 140162, MedGen C0027672, MeSH D009386, MONDO:0015356.
Piebaldism. Also called: Piebald skin depigmentation. Identifiers: Orphanet 2884, MedGen C0080024, MONDO:0008244, OMIM 172800, HP:0007544.

Allele frequency attached by ClinVar (database versions not stated): gnomAD exomes below 0.00001; ExAC 0.00001.
gnomAD v4.1: 1 of 1,614,214 alleles (0.000062%); highest among the groups gnomAD compares: South Asian, 0.0011%; no homozygotes.

Submissions (7):

Labcorp Genetics (formerly Invitae), Labcorp
Classification: Uncertain significance for Gastrointestinal stromal tumor. Last evaluated: 2026-02-02. Review status: criteria provided, single submitter. Criteria: Invitae Variant Classification Sherloc (09022015). Collection method: clinical testing. Allele origin: germline.
Comment: This sequence change replaces glutamine, which is neutral and polar, with histidine, which is basic and polar, at codon 26 of the KIT protein (p.Gln26His). This variant is present in population databases (rs764782713, gnomAD 0.003%). This variant has not been reported in the literature in individuals affected with KIT-related conditions. ClinVar contains an entry for this variant (Variation ID: 857769). An algorithm developed to predict the effect of missense changes on protein structure and function (PolyPhen-2) suggests that this variant is likely to be disruptive. In summary, the available evidence is currently insufficient to determine the role of this variant in disease. Therefore, it has been classified as a Variant of Uncertain Significance.

Ambry Genetics
Classification: Likely benign for Hereditary cancer-predisposing syndrome. Last evaluated: 2025-09-15. Review status: criteria provided, single submitter. Criteria: Ambry Variant Classification Scheme 2023. Collection method: clinical testing. Allele origin: germline.

Baylor Genetics
Classification: Uncertain significance for Gastrointestinal stromal tumor. Last evaluated: 2024-03-17. Review status: criteria provided, single submitter. Criteria: ACMG Guidelines, 2015. Collection method: clinical testing. Allele origin: unknown.

Illumina Laboratory Services, Illumina
Classification: Uncertain significance for Piebaldism. Last evaluated: 2018-03-30. Review status: criteria provided, single submitter. Criteria: ICSL Variant Classification Criteria 13 December 2019. Collection method: clinical testing. Allele origin: germline.

Illumina Laboratory Services, Illumina
Classification: Uncertain significance for Gastrointestinal stromal tumor. Last evaluated: 2018-03-30. Review status: criteria provided, single submitter. Criteria: ICSL Variant Classification Criteria 13 December 2019. Collection method: clinical testing. Allele origin: germline.

Illumina Laboratory Services, Illumina
Classification: Uncertain significance for Cutaneous mastocytosis. Last evaluated: 2018-03-30. Review status: criteria provided, single submitter. Criteria: ICSL Variant Classification Criteria 13 December 2019. Collection method: clinical testing. Allele origin: germline.

PreventionGenetics, part of Exact Sciences
Classification: Uncertain significance for KIT-related condition. Last evaluated: 2024-06-16. Review status: no assertion criteria provided. Collection method: clinical testing. Allele origin: germline. Not counted in ClinVar's aggregate classification.
Comment: The KIT c.78A>C variant is predicted to result in the amino acid substitution p.Gln26His. To our knowledge, this variant has not been reported in the literature. This variant is reported in 0.0033% of alleles in individuals of South Asian descent in gnomAD and is interpreted as uncertain in ClinVar. At this time, the clinical significance of this variant is uncertain due to the absence of conclusive functional and genetic evidence.

NM_000222.3(KIT):c.78A>C (p.Gln26His)

Gene: KIT (KIT proto-oncogene, receptor tyrosine kinase; plus strand). Cytogenetic location: 4q12.
Variant type: single nucleotide variant.
Coding change: c.78A>C on transcript NM_000222.3 (MANE Select); coding-DNA position 78, A replaced by C.
Protein change: p.Gln26His; replaces glutamine 26 with histidine.
Molecular consequence: missense variant.
Genome position (GRCh38, 1-based): chr4:54,695,522, A>C. VCF-style: chr4-54695522-A-C. GRCh37 (hg19) VCF-style: chr4-55561688-A-C.
Other names: c.78A>C, p.Gln26His (NM_001093772.2, NM_001385284.1, NM_001385285.1 and 4 more transcripts); short protein forms Q26H.
Identifiers: ClinVar variation 857769 (VCV000857769.15), dbSNP rs764782713, ClinGen allele CA2923152.